The following is an entry in ClinVar:

ClinVar aggregate classification (germline): Pathogenic (1 of 4 stars; one submission).

Conditions:
Neurofibromatosis, type 1 (NF1). Also called: Peripheral type neurofibromatosis; Neurofibromatosis, type I; VON RECKLINGHAUSEN DISEASE; NEUROFIBROMATOSIS, TYPE I, SOMATIC. Identifiers: Orphanet 636, MedGen C0027831, MONDO:0018975, OMIM 162200. Disease mechanism: loss of function.

Submission:

Labcorp Genetics (formerly Invitae), Labcorp
Classification: Pathogenic for Neurofibromatosis, type 1. Last evaluated: 2021-11-18. Review status: criteria provided, single submitter. Criteria: Invitae Variant Classification Sherloc (09022015). Collection method: clinical testing. Allele origin: germline.
Comment: This variant disrupts a region of the NF1 protein in which other variant(s) (p.Asn957Ile) have been determined to be pathogenic (PMID: 27322474; Invitae). This suggests that this is a clinically significant region of the protein, and that variants that disrupt it are likely to be disease-causing. For these reasons, this variant has been classified as Pathogenic. Experimental studies and prediction algorithms are not available or were not evaluated, and the functional significance of this variant is currently unknown. ClinVar contains an entry for this variant (Variation ID: 1051408). This variant has been observed in individual(s) with neurofibromatosis type 1 (Invitae). In at least one individual the variant was observed to be de novo. This variant is not present in population databases (gnomAD no frequency). This variant, c.2868_2873del, results in the deletion of 2 amino acid(s) of the NF1 protein (p.Asn957_Thr958del), but otherwise preserves the integrity of the reading frame.

Literature cited by the submitters: PubMed 27322474.

NM_001042492.3(NF1):c.2868_2873del (p.Asn957_Thr958del)

Gene: NF1 (neurofibromin 1; plus strand). Cytogenetic location: 17q11.2.
Variant type: Deletion.
Coding change: c.2868_2873del on transcript NM_001042492.3 (MANE Select); coding-DNA positions 2868 to 2873, 6 bases deleted (CAATAC; older notation c.2868_2873delCAATAC).
Protein change: p.Asn957_Thr958del.
Molecular consequence: inframe deletion. On other transcripts: inframe indel (1).
Genome position (GRCh38, 1-based): chr17:31,229,852-31,229,857, CAATAC deleted; deleting any 6 consecutive bases within chr17:31,229,848-31,229,857 gives the same sequence; the c. name uses the placement nearest the transcript's 3' end. VCF-style (leftmost placement, unchanged base first): chr17-31229847-GATACCA-G. GRCh37 (hg19) VCF-style: chr17-29556865-GATACCA-G.
Other names: c.2868_2873delCAATAC, p.Asn957_Thr958del (NM_000267.4).
Identifiers: ClinVar variation 1051408 (VCV001051408.5), dbSNP rs2151430498, ClinGen allele CA2499224071.